The following is an entry in ClinVar:

ClinVar aggregate classification (germline): Uncertain significance (0 of 4 stars; one submission).

Conditions:
DYRK1B-related disorder. Also called: DYRK1B-related condition.

Submission:

PreventionGenetics, part of Exact Sciences
Classification: Uncertain significance for DYRK1B-related condition. Last evaluated: 2024-07-01. Review status: no assertion criteria provided. Collection method: clinical testing. Allele origin: germline.
Comment: The DYRK1B c.542T>C variant is predicted to result in the amino acid substitution p.Met181Thr. To our knowledge, this variant has not been reported in the literature or in a large population database, indicating this variant is rare. At this time, the clinical significance of this variant is uncertain due to the absence of conclusive functional and genetic evidence.

NM_004714.3(DYRK1B):c.542T>C (p.Met181Thr)

Gene: DYRK1B (dual specificity tyrosine phosphorylation regulated kinase 1B; minus strand). Cytogenetic location: 19q13.2.
Variant type: single nucleotide variant.
Coding change: c.542T>C on transcript NM_004714.3 (MANE Select); coding-DNA position 542, T replaced by C.
Protein change: p.Met181Thr; replaces methionine 181 with threonine.
Molecular consequence: missense variant.
Genome position (GRCh38, 1-based): chr19:39,828,562, A>G on the plus strand (T>C on the coding strand, the complement: DYRK1B is on the minus strand). VCF-style: chr19-39828562-A-G. GRCh37 (hg19) VCF-style: chr19-40319202-A-G.
Other names: c.542T>C, p.Met181Thr (NM_006483.3, NM_006484.3); short protein forms M181T.
Identifiers: ClinVar variation 3345354 (VCV003345354.1).